The following is an entry in ClinVar:

ClinVar aggregate classification (germline): Likely pathogenic (1 of 4 stars; one submission).

gnomAD v4.1: 1 of 1,613,002 alleles (0.000062%); highest among the groups gnomAD compares: Admixed American, 0.0017%; no homozygotes.

Submission:

Labcorp Genetics (formerly Invitae), Labcorp
Classification: Likely pathogenic. Last evaluated: 2025-06-12. Review status: criteria provided, single submitter. Criteria: Invitae Variant Classification Sherloc (09022015). Collection method: clinical testing. Allele origin: germline.
Comment: This sequence change affects an acceptor splice site in intron 60 of the FRAS1 gene. It is expected to disrupt RNA splicing. Variants that disrupt the donor or acceptor splice site typically lead to a loss of protein function (PMID: 16199547), and loss-of-function variants in FRAS1 are known to be pathogenic (PMID: 12766769, 18671281). This variant is not present in population databases (gnomAD no frequency). This variant has not been reported in the literature in individuals affected with FRAS1-related conditions. Algorithms developed to predict the effect of sequence changes on RNA splicing suggest that this variant may disrupt the consensus splice site. In summary, the currently available evidence indicates that the variant is pathogenic, but additional data are needed to prove that conclusively. Therefore, this variant has been classified as Likely Pathogenic.

Literature cited by the submitters: PubMed 16199547; PubMed 12766769; PubMed 18671281.

NM_025074.7(FRAS1):c.9116-1G>A

Gene: FRAS1 (Fraser extracellular matrix complex subunit 1; plus strand). Cytogenetic location: 4q21.21.
Variant type: single nucleotide variant.
Coding change: c.9116-1G>A on transcript NM_025074.7 (MANE Select); the canonical splice acceptor site of the intron before coding-DNA position 9116, G replaced by A.
Molecular consequence: splice acceptor variant.
Genome position (GRCh38, 1-based): chr4:78,499,720, G>A. VCF-style: chr4-78499720-G-A. GRCh37 (hg19) VCF-style: chr4-79420874-G-A.
Identifiers: ClinVar variation 4765679 (VCV004765679.1).